The following is an entry in ClinVar:

ClinVar aggregate classification (germline): Uncertain significance (1 of 4 stars; one submission).

Conditions:
Beckwith-Wiedemann syndrome (BWS). Also called: Exomphalos macroglossia gigantism syndrome; EMG SYNDROME. Identifiers: Orphanet 116, MedGen C0004903, MONDO:0007534, OMIM 130650.

Submission:

Labcorp Genetics (formerly Invitae), Labcorp
Classification: Uncertain significance for Beckwith-Wiedemann syndrome. Last evaluated: 2024-07-19. Review status: criteria provided, single submitter. Criteria: Invitae Variant Classification Sherloc (09022015). Collection method: clinical testing. Allele origin: germline.
Comment: This sequence change replaces leucine, which is neutral and non-polar, with phenylalanine, which is neutral and non-polar, at codon 6 of the CDKN1C protein (p.Leu6Phe). This variant is not present in population databases (gnomAD no frequency). This variant has not been reported in the literature in individuals affected with CDKN1C-related conditions. An algorithm developed to predict the effect of missense changes on protein structure and function (PolyPhen-2) suggests that this variant is likely to be disruptive. In summary, the available evidence is currently insufficient to determine the role of this variant in disease. Therefore, it has been classified as a Variant of Uncertain Significance.

NM_001122630.2(CDKN1C):c.-10-8C>T

Gene: CDKN1C (cyclin dependent kinase inhibitor 1C; minus strand). Cytogenetic location: 11p15.4.
Variant type: single nucleotide variant.
Coding change: c.-10-8C>T on transcript NM_001122630.2 (MANE Select); 8 bases into the intron before 10 bases upstream of the start codon, C replaced by T.
Molecular consequence: intron variant. On other transcripts: missense variant (2).
Genome position (GRCh38, 1-based): chr11:2,885,474, G>A on the plus strand (C>T on the coding strand, the complement: CDKN1C is on the minus strand). VCF-style: chr11-2885474-G-A. GRCh37 (hg19) VCF-style: chr11-2906704-G-A.
Other names: c.16C>T, p.Leu6Phe (NM_000076.2, NM_001362474.2); c.-10-8C>T (NM_001362475.2, NM_001122631.2); short protein forms L6F.
Identifiers: ClinVar variation 3623692 (VCV003623692.2).